The following is an entry in ClinVar:

NM_001136191.3(KANK2):c.227G>T (p.Gly76Val)

Gene: KANK2 (KN motif and ankyrin repeat domains 2; minus strand). Cytogenetic location: 19p13.2.
Variant type: single nucleotide variant.
Coding change: c.227G>T on transcript NM_001136191.3 (MANE Select); coding-DNA position 227, G replaced by T.
Protein change: p.Gly76Val; replaces glycine 76 with valine.
Molecular consequence: missense variant.
Genome position (GRCh38, 1-based): chr19:11,193,853, C>A on the plus strand (G>T on the coding strand, the complement: KANK2 is on the minus strand). VCF-style: chr19-11193853-C-A. GRCh37 (hg19) VCF-style: chr19-11304529-C-A.
Other names: c.227G>T, p.Gly76Val (NM_001329451.2, NM_001379548.1, NM_001379549.1 and 15 more transcripts); short protein forms G76V.
Identifiers: ClinVar variation 4767129 (VCV004767129.1).

ClinVar aggregate classification (germline): Uncertain significance (1 of 4 stars; one submission).

Submission:

Labcorp Genetics (formerly Invitae), Labcorp
Classification: Uncertain significance. Last evaluated: 2025-05-07. Review status: criteria provided, single submitter. Criteria: Invitae Variant Classification Sherloc (09022015). Collection method: clinical testing. Allele origin: germline.
Comment: This sequence change replaces glycine, which is neutral and non-polar, with valine, which is neutral and non-polar, at codon 76 of the KANK2 protein (p.Gly76Val). This variant is present in population databases (no rsID available, gnomAD 0.003%). This variant has not been reported in the literature in individuals affected with KANK2-related conditions. An algorithm developed to predict the effect of missense changes on protein structure and function (PolyPhen-2) suggests that this variant is likely to be disruptive. In summary, the available evidence is currently insufficient to determine the role of this variant in disease. Therefore, it has been classified as a Variant of Uncertain Significance.